The following is an entry in ClinVar:

NM_006767.4(LZTR1):c.616G>C (p.Gly206Arg)

Gene: LZTR1 (leucine zipper like post translational regulator 1; plus strand). Cytogenetic location: 22q11.21.
Variant type: single nucleotide variant.
Coding change: c.616G>C on transcript NM_006767.4 (MANE Select); coding-DNA position 616, G replaced by C.
Protein change: p.Gly206Arg; replaces glycine 206 with arginine.
Molecular consequence: missense variant.
Genome position (GRCh38, 1-based): chr22:20,989,647, G>C. VCF-style: chr22-20989647-G-C. GRCh37 (hg19) VCF-style: chr22-21343936-G-C.
Other names: short protein forms G206R.
Identifiers: ClinVar variation 1752000 (VCV001752000.3), dbSNP rs2518614894, ClinGen allele CA410780321.

ClinVar aggregate classification (germline): Uncertain significance. Review status: criteria provided, multiple submitters, no conflicts (2 of 4 stars). 2 submissions from 2 submitters: Uncertain significance (2). Last evaluated 2024-11-06.

Conditions:
Cardiovascular phenotype. Identifiers: MedGen CN230736.
Hereditary cancer-predisposing syndrome. Also called: Hereditary Cancer Syndrome; Hereditary neoplastic syndrome; Neoplastic Syndromes, Hereditary; Tumor predisposition. Identifiers: Orphanet 140162, MedGen C0027672, MeSH D009386, MONDO:0015356.

Submissions (2):

GeneDx
Classification: Uncertain significance. Last evaluated: 2024-11-06. Review status: criteria provided, single submitter. Criteria: GeneDx Variant Classification Process June 2021. Collection method: clinical testing. Allele origin: germline. Affected: yes.
Comment: Not observed at significant frequency in large population cohorts (gnomAD); In silico analysis indicates that this missense variant does not alter protein structure/function; Has not been previously published as pathogenic or benign to our knowledge

Ambry Genetics
Classification: Uncertain significance for Cardiovascular phenotype; Hereditary cancer-predisposing syndrome. Last evaluated: 2024-02-01. Review status: criteria provided, single submitter. Criteria: Ambry Variant Classification Scheme 2023. Collection method: clinical testing. Allele origin: germline.
Comment: The p.G206R variant (also known as c.616G>C), located in coding exon 7 of the LZTR1 gene, results from a G to C substitution at nucleotide position 616. The glycine at codon 206 is replaced by arginine, an amino acid with dissimilar properties. This amino acid position is well conserved in available vertebrate species. In addition, this alteration is predicted to be tolerated by in silico analysis. Based on the available evidence, the clinical significance of this alteration remains unclear.